The following is an entry in ClinVar:

ClinVar aggregate classification (germline): Uncertain significance (1 of 4 stars; one submission).

Allele frequency attached by ClinVar (database versions not stated): ExAC 0.00001; gnomAD 0.00001; gnomAD exomes 0.00001.
gnomAD v4.1: 2 of 1,613,868 alleles (0.00012%); highest among the groups gnomAD compares: East Asian, 0.0045%; no homozygotes.

Submission:

Labcorp Genetics (formerly Invitae), Labcorp
Classification: Uncertain significance. Last evaluated: 2021-12-03. Review status: criteria provided, single submitter. Criteria: Invitae Variant Classification Sherloc (09022015). Collection method: clinical testing. Allele origin: germline.
Comment: This sequence change replaces serine, which is neutral and polar, with tyrosine, which is neutral and polar, at codon 4 of the POLR1A protein (p.Ser4Tyr). This variant is present in population databases (rs757808413, gnomAD 0.02%). This variant has not been reported in the literature in individuals affected with POLR1A-related conditions. Algorithms developed to predict the effect of missense changes on protein structure and function are either unavailable or do not agree on the potential impact of this missense change (SIFT: "Not Available"; PolyPhen-2: "Benign"; Align-GVGD: "Not Available"). In summary, the available evidence is currently insufficient to determine the role of this variant in disease. Therefore, it has been classified as a Variant of Uncertain Significance.

NM_015425.6(POLR1A):c.11C>A (p.Ser4Tyr)

Genes: POLR1A (RNA polymerase I subunit A; minus strand), LOC129934243 (ATAC-STARR-seq lymphoblastoid active region 16153; plus strand). Cytogenetic location: 2p11.2.
Variant type: single nucleotide variant.
Coding change: c.11C>A on transcript NM_015425.6 (MANE Select); coding-DNA position 11, C replaced by A.
Protein change: p.Ser4Tyr; replaces serine 4 with tyrosine.
Molecular consequence: missense variant.
Genome position (GRCh38, 1-based): chr2:86,105,766, G>T on the plus strand (C>A on the coding strand, the complement: POLR1A is on the minus strand). VCF-style: chr2-86105766-G-T. GRCh37 (hg19) VCF-style: chr2-86332889-G-T.
Other names: short protein forms S4Y.
Identifiers: ClinVar variation 1493858 (VCV001493858.6), dbSNP rs757808413, ClinGen allele CA1746772.